The following is an entry in ClinVar:

ClinVar aggregate classification (germline): Uncertain significance (1 of 4 stars; one submission).

Submission:

Labcorp Genetics (formerly Invitae), Labcorp
Classification: Uncertain significance. Last evaluated: 2024-08-18. Review status: criteria provided, single submitter. Criteria: Invitae Variant Classification Sherloc (09022015). Collection method: clinical testing. Allele origin: germline.
Comment: This sequence change replaces alanine, which is neutral and non-polar, with valine, which is neutral and non-polar, at codon 240 of the BCL11B protein (p.Ala240Val). This variant is not present in population databases (gnomAD no frequency). This variant has not been reported in the literature in individuals affected with BCL11B-related conditions. Invitae Evidence Modeling of protein sequence and biophysical properties (such as structural, functional, and spatial information, amino acid conservation, physicochemical variation, residue mobility, and thermodynamic stability) indicates that this missense variant is not expected to disrupt BCL11B protein function with a negative predictive value of 80%. In summary, the available evidence is currently insufficient to determine the role of this variant in disease. Therefore, it has been classified as a Variant of Uncertain Significance.

NM_138576.4(BCL11B):c.719C>T (p.Ala240Val)

Gene: BCL11B (BCL11 transcription factor B; minus strand). Cytogenetic location: 14q32.2.
Variant type: single nucleotide variant.
Coding change: c.719C>T on transcript NM_138576.4 (MANE Select); coding-DNA position 719, C replaced by T.
Protein change: p.Ala240Val; replaces alanine 240 with valine.
Molecular consequence: missense variant.
Genome position (GRCh38, 1-based): chr14:99,176,117, G>A on the plus strand (C>T on the coding strand, the complement: BCL11B is on the minus strand). VCF-style: chr14-99176117-G-A. GRCh37 (hg19) VCF-style: chr14-99642454-G-A.
Other names: c.716C>T, p.Ala239Val (NM_001282237.2); c.503C>T, p.Ala168Val (NM_001282238.2); c.506C>T, p.Ala169Val (NM_022898.3); short protein forms A239V, A168V, A240V, A169V.
Identifiers: ClinVar variation 3690349 (VCV003690349.2).